The following is an entry in ClinVar:

NM_001868.4(CPA1):c.179G>A (p.Gly60Asp)

Gene: CPA1 (carboxypeptidase A1; plus strand). Cytogenetic location: 7q32.2.
Variant type: single nucleotide variant.
Coding change: c.179G>A on transcript NM_001868.4 (MANE Select); coding-DNA position 179, G replaced by A.
Protein change: p.Gly60Asp; replaces glycine 60 with aspartic acid.
Molecular consequence: missense variant.
Genome position (GRCh38, 1-based): chr7:130,381,661, G>A. VCF-style: chr7-130381661-G-A. GRCh37 (hg19) VCF-style: chr7-130021502-G-A.
Other names: short protein forms G60D.
Identifiers: ClinVar variation 1780337 (VCV001780337.3), dbSNP rs374570775, ClinGen allele CA369279650.

ClinVar aggregate classification (germline): Uncertain significance (1 of 4 stars; one submission).

Conditions:
Hereditary pancreatitis (PCTT). Also called: Hereditary chronic pancreatitis; PRSS1-Related Hereditary Pancreatitis. Identifiers: Orphanet 676, MedGen C0238339, MONDO:0008185, OMIM 167800.

Submission:

Ambry Genetics
Classification: Uncertain significance for Hereditary pancreatitis. Last evaluated: 2024-05-18. Review status: criteria provided, single submitter. Criteria: Ambry Variant Classification Scheme 2023. Collection method: clinical testing. Allele origin: germline.
Comment: The p.G60D variant (also known as c.179G>A), located in coding exon 3 of the CPA1 gene, results from a G to A substitution at nucleotide position 179. The glycine at codon 60 is replaced by aspartic acid, an amino acid with similar properties. This amino acid position is conserved. In addition, this alteration is predicted to be tolerated by in silico analysis. Since supporting evidence is limited at this time, the clinical significance of this alteration remains unclear.